The following is an entry in ClinVar:

ClinVar aggregate classification (germline): Pathogenic. Review status: criteria provided, single submitter (1 of 4 stars). 3 submissions from 3 submitters: Pathogenic (1). 2 of the submissions do not count toward it. Last evaluated 2025-09-04.

Conditions:
Developmental and epileptic encephalopathy 116. Identifiers: MedGen C5935615, MONDO:0970945, OMIM 620806.
Glutamine synthetase stabilization disorder.

Submissions (3):

GeneDx
Classification: Pathogenic. Last evaluated: 2025-09-04. Review status: criteria provided, single submitter. Criteria: GeneDx Variant Classification Process June 2021. Collection method: clinical testing. Allele origin: germline. Affected: yes.
Comment: Initiation codon variant predicted to alter the protein; however, a downstream in-frame Methionine residue could serve as an alternate initiator codon; Not observed at significant frequency in large population cohorts (gnomAD); This variant is associated with the following publications: (PMID: 35982159, 38579670, 33057194)

OMIM
Classification: Pathogenic for DEVELOPMENTAL AND EPILEPTIC ENCEPHALOPATHY 116. Last evaluated: 2026-04-02. Review status: no assertion criteria provided. Collection method: literature only. Allele origin: germline. Not counted in ClinVar's aggregate classification.

Women's and Children's Health, University of Otago
Classification: Likely pathogenic for Glutamine synthetase stabilization disorder. Last evaluated: 2023-12-01. Review status: no assertion criteria provided. Collection method: clinical testing. Allele origin: de novo. Affected: yes. Not counted in ClinVar's aggregate classification.

Literature cited by the submitters: PubMed 38579670 (cited by OMIM).

NM_001033044.4(GLUL):c.1A>T (p.Met1Leu)

Gene: GLUL (glutamate-ammonia ligase; minus strand). Cytogenetic location: 1q25.3.
Variant type: single nucleotide variant.
Coding change: c.1A>T on transcript NM_001033044.4 (MANE Select); coding-DNA position 1, A replaced by T.
Protein change: p.Met1Leu; changes the start codon (methionine 1).
Molecular consequence: missense variant, initiator codon variant.
Genome position (GRCh38, 1-based): chr1:182,388,737, T>A on the plus strand (A>T on the coding strand, the complement: GLUL is on the minus strand). VCF-style: chr1-182388737-T-A. GRCh37 (hg19) VCF-style: chr1-182357872-T-A.
Other names: c.1A>T, p.Met1Leu (NM_001033056.4, NM_002065.7); short protein forms M1L.
Identifiers: ClinVar variation 430447 (VCV000430447.6), dbSNP rs1131691970, ClinGen allele CA343630364.